The following is an entry in ClinVar:

ClinVar aggregate classification (germline): Pathogenic (1 of 4 stars; one submission).

Conditions:
DYRK1A-related intellectual disability syndrome (MRD7). Also called: Intellectual developmental disorder, autosomal dominant 7; DYRK1A Syndrome. Identifiers: Orphanet 464306, MedGen C5568143, MONDO:0013578, OMIM 614104.

Submission:

Labcorp Genetics (formerly Invitae), Labcorp
Classification: Pathogenic for DYRK1A-related intellectual disability syndrome. Last evaluated: 2020-01-01. Review status: criteria provided, single submitter. Criteria: Invitae Variant Classification Sherloc (09022015). Collection method: clinical testing. Allele origin: germline.
Comment: For these reasons, this variant has been classified as Pathogenic. Loss-of-function variants in DYRK1A are known to be pathogenic (PMID: 25944381). This variant has not been reported in the literature in individuals with DYRK1A-related conditions. This variant is an out-of-frame deletion of the genomic region encompassing exon(s) 2 of the DYRK1A gene. This is expected to create a premature translational stop signal and result in an absent or disrupted protein product.

Literature cited by the submitters: PubMed 25944381.

NC_000021.8:g.(?_38844966)_(38845202_?)del

Gene: DYRK1A (dual specificity tyrosine phosphorylation regulated kinase 1A; plus strand). Cytogenetic location: 21q22.13.
Variant type: Deletion.
Identifiers: ClinVar variation 1073604 (VCV001073604.6).